The following is an entry in ClinVar:

ClinVar aggregate classification (germline): Pathogenic. Review status: criteria provided, multiple submitters, no conflicts (2 of 4 stars). 3 submissions from 3 submitters: Pathogenic (2). 1 of the submissions does not count toward it. Last evaluated 2024-10-09.

Conditions:
Microcephaly 18, primary, autosomal dominant (MCPH18). Identifiers: MedGen C4479608, MONDO:0054593, OMIM 617520.

Submissions (3):

Victorian Clinical Genetics Services, Murdoch Childrens Research Institute
Classification: Pathogenic for Microcephaly 18, primary, autosomal dominant. Last evaluated: 2024-10-09. Review status: criteria provided, single submitter. Criteria: ACMG Guidelines, 2015. Collection method: clinical testing. Allele origin: germline. Inheritance: Autosomal dominant inheritance. Affected: yes.
Comment: Based on the classification scheme VCGS_Germline_v1.3.4, this variant is classified as Pathogenic. Following criteria are met: 0102 - Loss of function is a known mechanism of disease in this gene and is associated with neurodevelopmental disorder (MONDO:0700092), WDFY3-related. A macrocephaly phenotype is known to be caused by loss of function variants, while microcephaly 18, primary (MIM#617520) is likely due to gain of function and increased WNT signalling (PMID: 31327001, 27008544). (I) 0107 - This gene is associated with autosomal dominant disease. (I) 0200 - Variant is predicted to result in a missense amino acid change from arginine to tryptophan. (I) 0251 - This variant is heterozygous. (I) 0301 - Variant is absent from gnomAD (both v2 and v3). (SP) 0501 - Missense variant consistently predicted to be damaging by multiple in silico tools or highly conserved with a major amino acid change. (SP) 0603 - Missense variant in a region that is highly intolerant to missense variation (high constraint region in DECIPHER). (SP) 0710 - Another missense variant comparable to the one identified in this case has inconclusive previous evidence for pathogenicity. p.(Arg2637Gln) has been classified as a VUS by a clinical laboratory in ClinVar. (I) 0803 - This variant has limited previous evidence of pathogenicity in unrelated individuals. This variant has been classified as pathogenic by a clinical laboratory in ClinVar and has also been reported in a family with primary microcephaly and mild to moderate intellectual disability (PMID: 27008544). (SP) 0906 - Segregation evidence for this variant is inconclusive. This variant has been reported to segregate in a family with primary microcephaly and mild-moderate intellectual disability. Linkage analysis performed on this family showed a ~9 Mb haplotype shared among the affected individuals, however this study only reported genotyping in one of the affected individuals (PMID: 27008544). (I) 1002 - This variant has moderate functional evidence supporting abnormal protein function. In vitro functional expression studies showed that cells transfected with the WDFY3 p.(Arg637Trp) variant had increased levels of DVL3 compared to controls, suggesting abnormal activation of WNT signalling resulting in impaired cortical development and microcephaly. Additionally, drosophila transfected with the WDFY3 p.(Arg2637Trp) variant displayed a small brain volume, recapitulating disease phenotype (PMID: 27008544). (SP) Legend: (SP) - Supporting pathogenic, (I) - Information, (SB) - Supporting benign

GeneDx
Classification: Pathogenic. Last evaluated: 2024-10-03. Review status: criteria provided, single submitter. Criteria: GeneDx Variant Classification Process June 2021. Collection method: clinical testing. Allele origin: germline. Affected: yes.
Comment: Published functional studies demonstrate a damaging effect as luciferase assay suggest a dominant negative role in attenuating Wnt signaling, and cell imaging and western blot assay show impaired autophagy-dependent removal of DVL3 aggregates (PMID: 27008544); Not observed at significant frequency in large population cohorts (gnomAD); In silico analysis supports that this missense variant has a deleterious effect on protein structure/function; This variant is associated with the following publications: (PMID: 27008544)

OMIM
Classification: Pathogenic for MICROCEPHALY 18, PRIMARY, AUTOSOMAL DOMINANT (1 family). Last evaluated: 2025-12-18. Review status: no assertion criteria provided. Collection method: literature only. Allele origin: germline. Not counted in ClinVar's aggregate classification.

Literature cited by the submitters: PubMed 27008544 (cited by Victorian Clinical Genetics Services, Murdoch Childrens Research Institute and OMIM); PubMed 31327001 (cited by Victorian Clinical Genetics Services, Murdoch Childrens Research Institute).

NM_014991.6(WDFY3):c.7909C>T (p.Arg2637Trp)

Gene: WDFY3 (WD repeat and FYVE domain containing 3; minus strand). Cytogenetic location: 4q21.23.
Variant type: single nucleotide variant.
Coding change: c.7909C>T on transcript NM_014991.6 (MANE Select); coding-DNA position 7909, C replaced by T.
Protein change: p.Arg2637Trp; replaces arginine 2637 with tryptophan.
Molecular consequence: missense variant.
Genome position (GRCh38, 1-based): chr4:84,715,350, G>A on the plus strand (C>T on the coding strand, the complement: WDFY3 is on the minus strand). VCF-style: chr4-84715350-G-A. GRCh37 (hg19) VCF-style: chr4-85636503-G-A.
Other names: short protein forms R2637W.
Identifiers: ClinVar variation 446237 (VCV000446237.9), dbSNP rs1553924800, ClinGen allele CA357541223.